The following is an entry in ClinVar:

NM_024306.5(FA2H):c.631C>G (p.Pro211Ala)

Gene: FA2H (fatty acid 2-hydroxylase; minus strand). Cytogenetic location: 16q23.1.
Variant type: single nucleotide variant.
Coding change: c.631C>G on transcript NM_024306.5 (MANE Select); coding-DNA position 631, C replaced by G.
Protein change: p.Pro211Ala; replaces proline 211 with alanine.
Molecular consequence: missense variant.
Genome position (GRCh38, 1-based): chr16:74,719,143, G>C on the plus strand (C>G on the coding strand, the complement: FA2H is on the minus strand). VCF-style: chr16-74719143-G-C. GRCh37 (hg19) VCF-style: chr16-74753041-G-C.
Other names: short protein forms P211A.
Identifiers: ClinVar variation 4537462 (VCV004537462.1).
Genomic context (GRCh38, chr16:74,719,143, plus strand): 5'-ACTCGATGAGGCTCCAGAGGAATGTCCCCAGCATGAAGAGCCCGGGGAACATGGACTTGG[G>C]CACTGCCACCGTGTACTCTGCAGGGTGGCAGGGAGAGCGAGGTGAGGACCGGTGCATAGC-3'
Protein context (NP_077282.3, residues 201-221): SFTTEYTVAV[Pro211Ala]KSMFPGLFML

ClinVar aggregate classification (germline): Uncertain significance (1 of 4 stars; one submission).

Conditions:
Hereditary spastic paraplegia 35. Also called: LEUKODYSTROPHY, DYSMYELINATING, AND SPASTIC PARAPARESIS WITH OR WITHOUT DYSTONIA; Spastic paraplegia 35, autosomal recessive; Spastic paraplegia 35; SPASTIC PARAPLEGIA 35, AUTOSOMAL RECESSIVE, WITH OR WITHOUT NEURODEGENERATION. Identifiers: Orphanet 171629, MedGen C3496228, MONDO:0012866, OMIM 612319.

Submission:

Genetic Foundation of Khorasan Razavi (GFKR)
Classification: Uncertain significance for Hereditary spastic paraplegia 35. Last evaluated: 2024-12-16. Review status: criteria provided, single submitter. Criteria: ACMG Guidelines, 2015. Collection method: clinical testing. Allele origin: inherited. Affected: yes. Observed: 1 homozygote.
Comment: The variant is absent from population databases.